The following is an entry in ClinVar:

ClinVar aggregate classification (germline): Uncertain significance (1 of 4 stars; one submission).

Submission:

Labcorp Genetics (formerly Invitae), Labcorp
Classification: Uncertain significance. Last evaluated: 2022-07-15. Review status: criteria provided, single submitter. Criteria: Invitae Variant Classification Sherloc (09022015). Collection method: clinical testing. Allele origin: germline.
Comment: In summary, the available evidence is currently insufficient to determine the role of this variant in disease. Therefore, it has been classified as a Variant of Uncertain Significance. Experimental studies and prediction algorithms are not available or were not evaluated, and the functional significance of this variant is currently unknown. This variant has not been reported in the literature in individuals affected with FN1-related conditions. This variant is not present in population databases (gnomAD no frequency). This variant, c.4905_4913del, results in the deletion of 3 amino acid(s) of the FN1 protein (p.Pro1636_Gln1638del), but otherwise preserves the integrity of the reading frame.

NM_212482.4(FN1):c.4905_4913del (p.Pro1636_Gln1638del)

Gene: FN1 (fibronectin 1; minus strand). Cytogenetic location: 2q35.
Variant type: Deletion.
Coding change: c.4905_4913del on transcript NM_212482.4 (MANE Select); coding-DNA positions 4905 to 4913, 9 bases deleted (ACCATCCCA; older notation c.4905_4913delACCATCCCA).
Protein change: p.Pro1636_Gln1638del.
Molecular consequence: inframe deletion.
Genome position (GRCh38, 1-based): chr2:215,383,465-215,383,473, TGGGATGGT deleted on the plus strand (ACCATCCCA on the coding strand, the reverse complement: FN1 is on the minus strand); deleting any 9 consecutive bases within chr2:215,383,465-215,383,474 gives the same sequence; the c. name uses the placement nearest the transcript's 3' end. VCF-style (leftmost placement, unchanged base first): chr2-215383464-CTGGGATGGT-C. GRCh37 (hg19) VCF-style: chr2-216248187-CTGGGATGGT-C.
Other names: c.4905_4913del, p.Pro1636_Gln1638del (NM_001306129.2, NM_001306130.2, NM_001365517.2 and 3 more transcripts); c.4632_4640del, p.Pro1545_Gln1547del (NM_001306131.2, NM_001306132.2, NM_001365518.2 and 7 more transcripts).
Identifiers: ClinVar variation 2017603 (VCV002017603.4), dbSNP rs2469575172, ClinGen allele CA2580065661.